The following is an entry in ClinVar:

NM_000020.3(ACVRL1):c.121T>A (p.Cys41Ser)

Gene: ACVRL1 (activin A receptor like type 1; plus strand). Cytogenetic location: 12q13.13.
Variant type: single nucleotide variant.
Coding change: c.121T>A on transcript NM_000020.3 (MANE Select); coding-DNA position 121, T replaced by A.
Protein change: p.Cys41Ser; replaces cysteine 41 with serine.
Molecular consequence: missense variant. On other transcripts: intron variant (1).
Genome position (GRCh38, 1-based): chr12:51,913,158, T>A. VCF-style: chr12-51913158-T-A. GRCh37 (hg19) VCF-style: chr12-52306942-T-A.
Other names: c.121T>A, p.Cys41Ser (NM_001406491.1, NM_001406492.1, NM_001406493.1 and 6 more transcripts); c.61+623T>A (NM_001406495.1); short protein forms C41S.
Identifiers: ClinVar variation 4801294 (VCV004801294.1).

ClinVar aggregate classification (germline): Likely pathogenic (1 of 4 stars; one submission).

Conditions:
Telangiectasia, hereditary hemorrhagic, type 2 (HHT2). Also called: ACVRL1-Related Hereditary Hemorrhagic Telangiectasia; Telangiectasia, hereditary hemorrhagic, type II. Identifiers: Orphanet 774, MedGen C1838163, MONDO:0010880, OMIM 600376. Disease mechanism: loss of function.

Submission:

Labcorp Genetics (formerly Invitae), Labcorp
Classification: Likely pathogenic for Telangiectasia, hereditary hemorrhagic, type 2. Last evaluated: 2025-03-30. Review status: criteria provided, single submitter. Criteria: Invitae Variant Classification Sherloc (09022015). Collection method: clinical testing. Allele origin: germline.
Comment: This sequence change replaces cysteine, which is neutral and slightly polar, with serine, which is neutral and polar, at codon 41 of the ACVRL1 protein (p.Cys41Ser). This variant is not present in population databases (gnomAD no frequency). This missense change has been observed in individual(s) with clinical features of hereditary hemorrhagic telangiectasia (internal data). Invitae Evidence Modeling of protein sequence and biophysical properties (such as structural, functional, and spatial information, amino acid conservation, physicochemical variation, residue mobility, and thermodynamic stability) has been performed for this missense variant. However, the output from this modeling did not meet the statistical confidence thresholds required to predict the impact of this variant on ACVRL1 protein function. This variant affects a cysteine residue located within the ACVRL1 protein ectodomain. Cysteine residues in this domain of ACVRL1 are involved in the formation of disulfide bridges critical for protein structure and stability (PMID: 22028876, 22718755, 22799562). In addition, missense substitutions within the ACVRL1 ectodomain affecting cysteine residues are overrepresented in patients with HHT (PMID: 20501893, 26176610 and an online resource). This variant disrupts the p.Cys41 amino acid residue in ACVRL1. Other variant(s) that disrupt this residue have been determined to be pathogenic (PMID: 26176610). This suggests that this residue is clinically significant, and that variants that disrupt this residue are likely to be disease-causing. In summary, the currently available evidence indicates that the variant is pathogenic, but additional data are needed to prove that conclusively. Therefore, this variant has been classified as Likely Pathogenic.

Literature cited by the submitters: PubMed 22028876; PubMed 22718755; PubMed 22799562; PubMed 20501893; PubMed 26176610.